The following is an entry in ClinVar:

NM_018714.3(COG1):c.79G>T (p.Ala27Ser)

Genes: COG1 (component of oligomeric golgi complex 1; plus strand), LOC130061576 (ATAC-STARR-seq lymphoblastoid active region 12690; plus strand). Cytogenetic location: 17q25.1.
Variant type: single nucleotide variant.
Coding change: c.79G>T on transcript NM_018714.3 (MANE Select); coding-DNA position 79, G replaced by T.
Protein change: p.Ala27Ser; replaces alanine 27 with serine.
Molecular consequence: missense variant.
Genome position (GRCh38, 1-based): chr17:73,193,148, G>T. VCF-style: chr17-73193148-G-T. GRCh37 (hg19) VCF-style: chr17-71189287-G-T.
Other names: c.79G>T (NM_018714.2); short protein forms A27S.
Identifiers: ClinVar variation 1355028 (VCV001355028.4), dbSNP rs529636950, ClinGen allele CA8739885.

ClinVar aggregate classification (germline): Uncertain significance. Review status: criteria provided, multiple submitters, no conflicts (2 of 4 stars). 2 submissions from 2 submitters: Uncertain significance (2). Last evaluated 2025-04-15.

Conditions:
Inborn genetic diseases. Identifiers: MedGen C0950123, MeSH D030342.
COG1 congenital disorder of glycosylation (CDG2G). Also called: CDG IIg; CDGII/COG1 CEREBROCOSTOMANDIBULAR-LIKE SYNDROME; CONGENITAL DISORDER OF GLYCOSYLATION, TYPE IIg. Identifiers: Orphanet 263508, MedGen C2931011, MONDO:0012637, OMIM 611209.

Allele frequency attached by ClinVar (database versions not stated): gnomAD 0.00001 and 0.00002; TOPMed 0.00004; gnomAD exomes 0.00006; ExAC 0.00009; 1000 Genomes Project 30x 0.00016; 1000 Genomes Project 0.00020.
gnomAD v4.1: 36 of 1,609,980 alleles (0.0022%); highest among the groups gnomAD compares: South Asian, 0.022%; no homozygotes.

Submissions (2):

Ambry Genetics
Classification: Uncertain significance for Inborn genetic diseases. Last evaluated: 2025-04-15. Review status: criteria provided, single submitter. Criteria: Ambry Variant Classification Scheme 2023. Collection method: clinical testing. Allele origin: germline.

Labcorp Genetics (formerly Invitae), Labcorp
Classification: Uncertain significance for COG1 congenital disorder of glycosylation. Last evaluated: 2022-09-19. Review status: criteria provided, single submitter. Criteria: Invitae Variant Classification Sherloc (09022015). Collection method: clinical testing. Allele origin: germline.
Comment: This sequence change replaces alanine, which is neutral and non-polar, with serine, which is neutral and polar, at codon 27 of the COG1 protein (p.Ala27Ser). This variant is present in population databases (rs529636950, gnomAD 0.02%). This variant has not been reported in the literature in individuals affected with COG1-related conditions. ClinVar contains an entry for this variant (Variation ID: 1355028). Advanced modeling of protein sequence and biophysical properties (such as structural, functional, and spatial information, amino acid conservation, physicochemical variation, residue mobility, and thermodynamic stability) performed at Invitae indicates that this missense variant is expected to disrupt COG1 protein function. In summary, the available evidence is currently insufficient to determine the role of this variant in disease. Therefore, it has been classified as a Variant of Uncertain Significance.